The following is an entry in ClinVar:

NM_020937.4(FANCM):c.5387C>G (p.Ser1796Cys)

Gene: FANCM (FA complementation group M; plus strand). Cytogenetic location: 14q21.2.
Variant type: single nucleotide variant.
Coding change: c.5387C>G on transcript NM_020937.4 (MANE Select); coding-DNA position 5387, C replaced by G.
Protein change: p.Ser1796Cys; replaces serine 1796 with cysteine.
Molecular consequence: missense variant.
Genome position (GRCh38, 1-based): chr14:45,196,218, C>G. VCF-style: chr14-45196218-C-G. GRCh37 (hg19) VCF-style: chr14-45665421-C-G.
Other names: c.5309C>G, p.Ser1770Cys (NM_001308133.2); c.5387C>G (NM_020937.3); short protein forms S1796C, S1770C.
Identifiers: ClinVar variation 2191804 (VCV002191804.6), dbSNP rs1275681669, ClinGen allele CA389585640.
Genomic context (GRCh38, chr14:45,196,218, plus strand): 5'-TTCCACTTTTTCAGGATGGTAGTGCTTTGGAGGATTCTAGCACTTCAGGGGCATCCTGTT[C>G]CAAGTCAAGACCACATTTAGCTGGGACACATACTTCTCTTAGACTTCCGCAGGAAGGAAA-3'
Protein context (NP_065988.1, residues 1786-1806): EDSSTSGASC[Ser1796Cys]KSRPHLAGTH

ClinVar aggregate classification (germline): Uncertain significance. Review status: criteria provided, multiple submitters, no conflicts (2 of 4 stars). 3 submissions from 3 submitters: Uncertain significance (3). Last evaluated 2025-07-21.

Conditions:
Fanconi anemia (FA). Also called: Fanconi's anemia. Identifiers: Orphanet 84, MedGen C0015625, MeSH D005199, MONDO:0019391.

Allele frequency attached by ClinVar (database versions not stated): gnomAD 0.00002; TOPMed 0.00002.
gnomAD v4.1: 13 of 1,614,020 alleles (0.00081%); highest among the groups gnomAD compares: East Asian, 0.016%; no homozygotes.

Submissions (3):

Labcorp Genetics (formerly Invitae), Labcorp
Classification: Uncertain significance for Fanconi anemia. Last evaluated: 2025-07-21. Review status: criteria provided, single submitter. Criteria: Invitae Variant Classification Sherloc (09022015). Collection method: clinical testing. Allele origin: germline.
Comment: This sequence change replaces serine, which is neutral and polar, with cysteine, which is neutral and slightly polar, at codon 1796 of the FANCM protein (p.Ser1796Cys). This variant is present in population databases (no rsID available, gnomAD 0.02%). This missense change has been observed in individual(s) with gastric cancer and/or melanoma (PMID: 29641532, 36627197). ClinVar contains an entry for this variant (Variation ID: 2191804). An algorithm developed to predict the effect of missense changes on protein structure and function (PolyPhen-2) suggests that this variant is likely to be disruptive. In summary, the available evidence is currently insufficient to determine the role of this variant in disease. Therefore, it has been classified as a Variant of Uncertain Significance.

Quest Diagnostics Nichols Institute San Juan Capistrano
Classification: Uncertain significance. Last evaluated: 2024-06-18. Review status: criteria provided, single submitter. Criteria: Quest Diagnostics criteria. Collection method: clinical testing. Allele origin: unknown.
Comment: The FANCM c.5387C>G (p.Ser1796Cys) variant has been reported in the published literature in individuals with breast cancer (PMID: 33471991 (2021), see also LOVD). This variant has also been identified in reportedly healthy individuals (PMID: 29641532 (2018), 33471991 (2021), see also LOVD). The frequency of this variant in the general population, 0.0002 (4/19952 chromosomes (Genome Aggregation Database)), is uninformative in the assessment of its pathogenicity. Analysis of this variant using bioinformatics tools for the prediction of the effect of amino acid changes on protein structure and function yielded conflicting predictions that this variant is benign or damaging. Based on the available information, we are unable to determine the clinical significance of this variant.

Blueprint Genetics
Classification: Uncertain significance. Last evaluated: 2023-09-01. Review status: criteria provided, single submitter. Criteria: ACMG Guidelines, 2015. Collection method: clinical testing. Allele origin: germline.

Literature cited by the submitters: PubMed 29641532 (cited by Labcorp Genetics (formerly Invitae), Labcorp and Quest Diagnostics Nichols Institute San Juan Capistrano); PubMed 36627197 (cited by Labcorp Genetics (formerly Invitae), Labcorp); PubMed 33471991 (cited by Quest Diagnostics Nichols Institute San Juan Capistrano).